The following is an entry in ClinVar:

NM_024407.5(NDUFS7):c.455+19dup

Gene: NDUFS7 (NADH:ubiquinone oxidoreductase core subunit S7; plus strand). Cytogenetic location: 19p13.3.
Variant type: Duplication.
Coding change: c.455+19dup on transcript NM_024407.5 (MANE Select); 19 bases into the intron after coding-DNA position 455, one base duplicated (G; older notation c.455+19dupG).
Molecular consequence: intron variant.
Genome position (GRCh38, 1-based): chr19:1,391,184, G duplicated; the last of 6 consecutive G bases (chr19:1,391,179-1,391,184); duplicating any one gives the same sequence. VCF-style (leftmost placement, unchanged base first): chr19-1391178-C-CG. GRCh37 (hg19) VCF-style: chr19-1391177-C-CG.
Other names: c.455+19dup (NM_001363602.2).
Identifiers: ClinVar variation 214828 (VCV000214828.8), dbSNP rs863224112, ClinGen allele CA322925.

ClinVar aggregate classification (germline): Benign. Review status: criteria provided, multiple submitters, no conflicts (2 of 4 stars). 2 submissions from 2 submitters: Benign (2). Last evaluated 2026-02-04.

Submissions (2):

Labcorp Genetics (formerly Invitae), Labcorp
Classification: Benign. Last evaluated: 2026-02-04. Review status: criteria provided, single submitter. Criteria: Invitae Variant Classification Sherloc (09022015). Collection method: clinical testing. Allele origin: germline.

GeneDx
Classification: Benign. Last evaluated: 2014-06-23. Review status: criteria provided, single submitter. Criteria: GeneDx Variant Classification (06012015). Collection method: clinical testing. Allele origin: germline. Affected: yes.
Comment: The variant is found in MITO24-MITOP,MITONUC-MITOP panel(s).